The following is an entry in ClinVar:

NM_001374828.1(ARID1B):c.1293_1317del (p.Ala433fs)

Gene: ARID1B (AT-rich interaction domain 1B; plus strand). Cytogenetic location: 6q25.3.
Variant type: Deletion.
Coding change: c.1293_1317del on transcript NM_001374828.1 (MANE Select); coding-DNA positions 1293 to 1317, 25 bases deleted (AGCAGCAGGAGGCGGCGGCGGCGGC).
Protein change: p.Ala433fs; shifts the reading frame from alanine 433.
Molecular consequence: frameshift variant.
Genome position (GRCh38, 1-based): chr6:156,778,973-156,778,997, AGCAGCAGGAGGCGGCGGCGGCGGC deleted; deleting any 25 consecutive bases within chr6:156,778,959-156,778,997 gives the same sequence; the c. name uses the placement nearest the transcript's 3' end. VCF-style (leftmost placement, unchanged base first): chr6-156778958-CGCGGCGGCGGCGGCAGCAGCAGGAG-C. GRCh37 (hg19) VCF-style: chr6-157100092-CGCGGCGGCGGCGGCAGCAGCAGGAG-C.
Other names: c.1293_1317del, p.Ala433fs (NM_001371656.1, NM_001374820.1, NM_017519.3); c.1044_1068del (NM_020732.3); short protein forms A433fs.
Identifiers: ClinVar variation 1199407 (VCV001199407.6), dbSNP rs1778944605, ClinGen allele CA1096261379.

ClinVar aggregate classification (germline): Pathogenic/Likely pathogenic. Review status: criteria provided, multiple submitters, no conflicts (2 of 4 stars). 4 submissions from 4 submitters: Pathogenic (3); Likely pathogenic (1). Last evaluated 2025-08-12.

Conditions:
Coffin-Siris syndrome 1 (CSS1). Also called: Mental retardation, autosomal dominant 12; ARID1B-Related Coffin-Siris Syndrome. Identifiers: Orphanet 1465, MedGen C3281201, MONDO:0007617, OMIM 135900. Disease mechanism: gain of function.

Submissions (4):

3billion
Classification: Pathogenic for Coffin-Siris syndrome 1. Last evaluated: 2025-08-12. Review status: criteria provided, single submitter. Criteria: ACMG Guidelines, 2015. Collection method: clinical testing. Allele origin: germline. Affected: yes.
Comment: The variant is observed at an extremely low frequency in the gnomAD v4.1.0 dataset (total allele frequency: <0.001%). Predicted Consequence/Location: Frameshift: predicted to result in a loss or disruption of normal protein function through nonsense-mediated decay (NMD) or protein truncation. Multiple pathogenic variants are reported downstream of the variant. The variant has been reported at least twice as pathogenic with clinical assertions and evidence for the classification (ClinVar ID: VCV001199407). Therefore, this variant is classified as Pathogenic according to the recommendation of ACMG/AMP guideline.

Labcorp Genetics (formerly Invitae), Labcorp
Classification: Pathogenic. Last evaluated: 2024-12-12. Review status: criteria provided, single submitter. Criteria: Invitae Variant Classification Sherloc (09022015). Collection method: clinical testing. Allele origin: germline.
Comment: This sequence change creates a premature translational stop signal (p.Ala350Metfs*11) in the ARID1B gene. It is expected to result in an absent or disrupted protein product. Loss-of-function variants in ARID1B are known to be pathogenic (PMID: 25674384, 30349098). The frequency data for this variant in the population databases is considered unreliable, as metrics indicate insufficient coverage at this position in the gnomAD database. This variant has not been reported in the literature in individuals affected with ARID1B-related conditions. ClinVar contains an entry for this variant (Variation ID: 1199407). For these reasons, this variant has been classified as Pathogenic.

GeneDx
Classification: Pathogenic. Last evaluated: 2021-12-14. Review status: criteria provided, single submitter. Criteria: GeneDx Variant Classification Process June 2021. Collection method: clinical testing. Allele origin: germline. Affected: yes.
Comment: Frameshift variant predicted to result in protein truncation or nonsense mediated decay in a gene for which loss-of-function is a known mechanism of disease; Not observed in large population cohorts (gnomAD); Has not been previously published as pathogenic or benign to our knowledge

HudsonAlpha Institute for Biotechnology
Classification: Likely pathogenic for Coffin-Siris syndrome 1. Last evaluated: 2021-04-26. Review status: criteria provided, single submitter. Criteria: ACMG Guidelines, 2015. Collection method: research. Allele origin: maternal. Affected: yes. Observed: 1 variant allele. Study: CSER-SouthSeq.
Comment: ACMG codes: PVS1; PM2

Literature cited by the submitters: PubMed 25674384 (cited by Labcorp Genetics (formerly Invitae), Labcorp); PubMed 30349098 (cited by Labcorp Genetics (formerly Invitae), Labcorp).